The following is an entry in ClinVar:

ClinVar aggregate classification (germline): Pathogenic/Likely pathogenic. Review status: criteria provided, multiple submitters, no conflicts (2 of 4 stars). 2 submissions from 2 submitters: Pathogenic (1); Likely pathogenic (1). Last evaluated 2025-12-29.

Allele frequency attached by ClinVar (database versions not stated): gnomAD exomes 0.00001; TOPMed 0.00001; gnomAD 0.00001.
gnomAD v4.1: 7 of 1,613,882 alleles (0.00043%); highest among the groups gnomAD compares: Non-Finnish European, 0.00059%; no homozygotes.

Submissions (2):

Dasa
Classification: Likely pathogenic. Last evaluated: 2025-12-29. Review status: criteria provided, single submitter. Criteria: DASA Assertion Criteria. Collection method: clinical testing. Allele origin: germline.
Comment: NM_006182.4(DDR2):c.1831C>T (p.Arg611*) is a nonsense variant in DDR2 predicted to introduce a premature termination codon and is predicted to result in an absent or altered protein product. Loss of function is an established disease mechanism for DDR2-associated disorders. Also, this variant is rare in population databases. Based on the currently available evidence, this variant is classified as likely pathogenic.

Labcorp Genetics (formerly Invitae), Labcorp
Classification: Pathogenic. Last evaluated: 2022-11-26. Review status: criteria provided, single submitter. Criteria: Invitae Variant Classification Sherloc (09022015). Collection method: clinical testing. Allele origin: germline.
Comment: This sequence change creates a premature translational stop signal (p.Arg611*) in the DDR2 gene. It is expected to result in an absent or disrupted protein product. Loss-of-function variants in DDR2 are known to be pathogenic (PMID: 11375938, 29884795). This variant is not present in population databases (gnomAD no frequency). This variant has not been reported in the literature in individuals affected with DDR2-related conditions. ClinVar contains an entry for this variant (Variation ID: 631572). Algorithms developed to predict the effect of sequence changes on RNA splicing suggest that this variant may disrupt the consensus splice site. For these reasons, this variant has been classified as Pathogenic.

Literature cited by the submitters: PubMed 11375938 (cited by Labcorp Genetics (formerly Invitae), Labcorp); PubMed 29884795 (cited by Labcorp Genetics (formerly Invitae), Labcorp).

NM_006182.4(DDR2):c.1831C>T (p.Arg611Ter)

Gene: DDR2 (discoidin domain receptor tyrosine kinase 2; plus strand). Cytogenetic location: 1q23.3.
Variant type: single nucleotide variant.
Coding change: c.1831C>T on transcript NM_006182.4 (MANE Select); coding-DNA position 1831, C replaced by T.
Protein change: p.Arg611Ter; replaces arginine 611 with a stop codon.
Molecular consequence: nonsense.
Genome position (GRCh38, 1-based): chr1:162,773,571, C>T. VCF-style: chr1-162773571-C-T. GRCh37 (hg19) VCF-style: chr1-162743361-C-T.
Other names: c.1831C>T, p.Arg611Ter (LRG_1390t1, NM_001014796.3, NM_001354982.2 and 1 more transcripts); short protein forms R611*.
Identifiers: ClinVar variation 631572 (VCV000631572.9), dbSNP rs928746429, ClinGen allele CA31812655.